The following is an entry in ClinVar:

NM_001369.3(DNAH5):c.193-3C>A

Gene: DNAH5 (dynein axonemal heavy chain 5; minus strand). Cytogenetic location: 5p15.2.
Variant type: single nucleotide variant.
Coding change: c.193-3C>A on transcript NM_001369.3 (MANE Select); 3 bases into the intron before coding-DNA position 193, C replaced by A.
Molecular consequence: intron variant.
Genome position (GRCh38, 1-based): chr5:13,928,181, G>T on the plus strand (C>A on the coding strand, the complement: DNAH5 is on the minus strand). VCF-style: chr5-13928181-G-T. GRCh37 (hg19) VCF-style: chr5-13928290-G-T.
Identifiers: ClinVar variation 2177761 (VCV002177761.3), dbSNP rs777003278, ClinGen allele CA3205252.

ClinVar aggregate classification (germline): Uncertain significance (1 of 4 stars; one submission).

Conditions:
Primary ciliary dyskinesia. Also called: Ciliary dyskinesia. Identifiers: Orphanet 244, MedGen C0008780, MONDO:0016575, HP:0012265.

Allele frequency attached by ClinVar (database versions not stated): ExAC 0.00001; gnomAD 0.00001; TOPMed 0.00002.
gnomAD v4.1: 6 of 1,609,296 alleles (0.00037%); highest among the groups gnomAD compares: African/African-American, 0.0013%; no homozygotes.

Submission:

Labcorp Genetics (formerly Invitae), Labcorp
Classification: Uncertain significance for Primary ciliary dyskinesia. Last evaluated: 2024-12-23. Review status: criteria provided, single submitter. Criteria: Invitae Variant Classification Sherloc (09022015). Collection method: clinical testing. Allele origin: germline.
Comment: This sequence change falls in intron 2 of the DNAH5 gene. It does not directly change the encoded amino acid sequence of the DNAH5 protein. It affects a nucleotide within the consensus splice site. This variant is present in population databases (rs777003278, gnomAD 0.007%). This variant has not been reported in the literature in individuals affected with DNAH5-related conditions. ClinVar contains an entry for this variant (Variation ID: 2177761). Variants that disrupt the consensus splice site are a relatively common cause of aberrant splicing (PMID: 17576681, 9536098). Algorithms developed to predict the effect of sequence changes on RNA splicing suggest that this variant is not likely to affect RNA splicing. In summary, the available evidence is currently insufficient to determine the role of this variant in disease. Therefore, it has been classified as a Variant of Uncertain Significance.

Literature cited by the submitters: PubMed 17576681; PubMed 9536098.